The following is an entry in ClinVar:

NM_015272.5(RPGRIP1L):c.734T>G (p.Leu245Ter)

Gene: RPGRIP1L (RPGRIP1 like; minus strand). Cytogenetic location: 16q12.2.
Variant type: single nucleotide variant.
Coding change: c.734T>G on transcript NM_015272.5 (MANE Select); coding-DNA position 734, T replaced by G.
Protein change: p.Leu245Ter; replaces leucine 245 with a stop codon.
Molecular consequence: nonsense.
Genome position (GRCh38, 1-based): chr16:53,686,475, A>C on the plus strand (T>G on the coding strand, the complement: RPGRIP1L is on the minus strand). VCF-style: chr16-53686475-A-C. GRCh37 (hg19) VCF-style: chr16-53720387-A-C.
Other names: c.734T>G, p.Leu245Ter (NM_001127897.4, NM_001308334.3, NM_001330538.2); short protein forms L245*.
Identifiers: ClinVar variation 2107605 (VCV002107605.4), dbSNP rs2544638776, ClinGen allele CA395923815.

ClinVar aggregate classification (germline): Pathogenic (1 of 4 stars; one submission).

Conditions:
Joubert syndrome. Also called: CEREBELLOPARENCHYMAL DISORDER IV; JOUBERT-BOLTSHAUSER SYNDROME; Familial aplasia of the vermis. Identifiers: Orphanet 475, MedGen C5979921, MONDO:0018772.
Meckel-Gruber syndrome. Also called: DYSENCEPHALIA SPLANCHNOCYSTICA; GRUBER SYNDROME; Dysencephalia splachnocystica. Identifiers: Orphanet 564, MedGen C0265215, MONDO:0018921.

Submission:

Labcorp Genetics (formerly Invitae), Labcorp
Classification: Pathogenic for Joubert syndrome; Meckel-Gruber syndrome. Last evaluated: 2022-03-08. Review status: criteria provided, single submitter. Criteria: Invitae Variant Classification Sherloc (09022015). Collection method: clinical testing. Allele origin: germline.
Comment: For these reasons, this variant has been classified as Pathogenic. This variant has not been reported in the literature in individuals affected with RPGRIP1L-related conditions. This variant is not present in population databases (gnomAD no frequency). This sequence change creates a premature translational stop signal (p.Leu245*) in the RPGRIP1L gene. It is expected to result in an absent or disrupted protein product. Loss-of-function variants in RPGRIP1L are known to be pathogenic (PMID: 17558409).

Literature cited by the submitters: PubMed 17558409.